The following is an entry in ClinVar:

NM_007294.4(BRCA1):c.5333-7A>C

Gene: BRCA1 (BRCA1 DNA repair associated; minus strand). Cytogenetic location: 17q21.31.
Variant type: single nucleotide variant.
Coding change: c.5333-7A>C on transcript NM_007294.4 (MANE Select); 7 bases into the intron before coding-DNA position 5333, A replaced by C.
Molecular consequence: intron variant.
Genome position (GRCh38, 1-based): chr17:43,049,201, T>G on the plus strand (A>C on the coding strand, the complement: BRCA1 is on the minus strand). VCF-style: chr17-43049201-T-G. GRCh37 (hg19) VCF-style: chr17-41201218-T-G.
Other names: c.1895-7A>C (NM_001408446.1, NM_001408448.1, NM_001408445.1 and 2 more transcripts); c.1898-7A>C (NM_001408435.1, NM_001408444.1, NM_001408438.1 and 10 more transcripts); c.5201-7A>C (NM_001407691.1, NM_001407690.1); c.5204-7A>C (NM_001407685.1, NM_001407688.1, NM_001407682.1 and 5 more transcripts); c.5207-1498A>C (NM_001407940.1, NM_001407939.1); c.5207-7A>C (NM_001407671.1, NM_001407676.1, NM_001407679.1 and 8 more transcripts); c.5273-7A>C (NM_001407649.1); c.2018-7A>C (NM_001408401.1, NM_001408396.1, NM_001408404.1 and 7 more transcripts); and 84 more.
Identifiers: ClinVar variation 865625 (VCV000865625.3), dbSNP rs538969920, ClinGen allele CA916080892.

Conditions:
Breast-ovarian cancer, familial, susceptibility to, 1 (BROVCA1). Also called: BRCA1 Hereditary Breast and Ovarian Cancer; OVARIAN CANCER, SUSCEPTIBILITY TO. Identifiers: Orphanet 145, MedGen C2676676, MONDO:0011450, OMIM 604370. Disease mechanism: loss of function.

Submission:

Brotman Baty Institute, University of Washington
No classification provided (evidence only). Condition: Breast-ovarian cancer, familial 1. Review status: no classification provided. Collection method: in vitro. Allele origin: not applicable. Functional consequence: functionally_normal.
ClinVar note: "not provided" was previously submitted as the classification for the variant. However, the classification appeared to be based only on an observation of functional data so it was converted to no classification on 2025-07-30.